The following is an entry in ClinVar:

ClinVar aggregate classification (germline): Uncertain significance. Review status: criteria provided, multiple submitters, no conflicts (2 of 4 stars). 2 submissions from 2 submitters: Uncertain significance (2). Last evaluated 2024-05-22.

Allele frequency attached by ClinVar (database versions not stated): gnomAD 0.00001 and 0.00004; ExAC 0.00002; TOPMed 0.00002; gnomAD exomes 0.00003 and 0.00004.
gnomAD v4.1: 48 of 1,612,930 alleles (0.003%); highest among the groups gnomAD compares: Middle Eastern, 0.033%; no homozygotes.

Submissions (2):

Labcorp Genetics (formerly Invitae), Labcorp
Classification: Uncertain significance. Last evaluated: 2024-05-22. Review status: criteria provided, single submitter. Criteria: Invitae Variant Classification Sherloc (09022015). Collection method: clinical testing. Allele origin: germline.
Comment: This sequence change replaces serine, which is neutral and polar, with asparagine, which is neutral and polar, at codon 366 of the PLEKHG2 protein (p.Ser366Asn). This variant is present in population databases (rs770353049, gnomAD 0.02%). This variant has not been reported in the literature in individuals affected with PLEKHG2-related conditions. ClinVar contains an entry for this variant (Variation ID: 870944). An algorithm developed to predict the effect of missense changes on protein structure and function (PolyPhen-2) suggests that this variant is likely to be tolerated. In summary, the available evidence is currently insufficient to determine the role of this variant in disease. Therefore, it has been classified as a Variant of Uncertain Significance.

CeGaT Center for Human Genetics Tuebingen
Classification: Uncertain significance. Last evaluated: 2019-09-01. Review status: criteria provided, single submitter. Criteria: CeGaT Center For Human Genetics Tuebingen Variant Classification Criteria Version 2. Collection method: clinical testing. Allele origin: germline. Affected: yes. Observed: 1 variant allele.

NM_022835.3(PLEKHG2):c.1097G>A (p.Ser366Asn)

Gene: PLEKHG2 (pleckstrin homology and RhoGEF domain containing G2; plus strand). Cytogenetic location: 19q13.2.
Variant type: single nucleotide variant.
Coding change: c.1097G>A on transcript NM_022835.3 (MANE Select); coding-DNA position 1097, G replaced by A.
Protein change: p.Ser366Asn; replaces serine 366 with asparagine.
Molecular consequence: missense variant.
Genome position (GRCh38, 1-based): chr19:39,418,747, G>A. VCF-style: chr19-39418747-G-A. GRCh37 (hg19) VCF-style: chr19-39909387-G-A.
Other names: c.920G>A, p.Ser307Asn (NM_001351693.2); c.1097G>A, p.Ser366Asn (NM_001351694.2); short protein forms S307N, S366N.
Identifiers: ClinVar variation 870944 (VCV000870944.46), dbSNP rs770353049, ClinGen allele CA9429348.